The following is an entry in ClinVar:

NM_014956.5(CEP164):c.2206G>A (p.Glu736Lys)

Gene: CEP164 (centrosomal protein 164; plus strand). Cytogenetic location: 11q23.3.
Variant type: single nucleotide variant.
Coding change: c.2206G>A on transcript NM_014956.5 (MANE Select); coding-DNA position 2206, G replaced by A.
Protein change: p.Glu736Lys; replaces glutamic acid 736 with lysine.
Molecular consequence: missense variant.
Genome position (GRCh38, 1-based): chr11:117,391,138, G>A. VCF-style: chr11-117391138-G-A. GRCh37 (hg19) VCF-style: chr11-117261854-G-A.
Other names: c.2215G>A, p.Glu739Lys (NM_001271933.2); short protein forms E736K, E739K.
Identifiers: ClinVar variation 844430 (VCV000844430.10), dbSNP rs146053426, ClinGen allele CA6294992.
Genomic context (GRCh38, chr11:117,391,138, plus strand): 5'-CAGAAAAATAGGCAAATGCTGGAGCAGCTCAAGGAAGAGATAGAGGCTTCGGAGAAGAGC[G>A]AGCAGGCTGCCCTGAATGCTGCAAAGGAGAAGGCTCTGCAGCAGCTGAGGGAGCAGCTGG-3'
Protein context (NP_055771.4, residues 726-746): KEEIEASEKS[Glu736Lys]QAALNAAKEK

ClinVar aggregate classification (germline): Uncertain significance. Review status: criteria provided, multiple submitters, no conflicts (2 of 4 stars). 5 submissions from 5 submitters: Uncertain significance (5). Last evaluated 2026-02-24.

Conditions:
Nephronophthisis 15 (NPHP15). Identifiers: Orphanet 3156, MedGen C3541853, MONDO:0013917, OMIM 614845.
CEP164-related disorder. Also called: CEP164-related condition.
Inborn genetic diseases. Identifiers: MedGen C0950123, MeSH D030342.

Allele frequency attached by ClinVar (database versions not stated): gnomAD 0.00025 and 0.00028; TOPMed 0.00028; ESP Exome Variant Server 0.00046.
gnomAD v4.1: 579 of 1,613,764 alleles (0.036%); highest among the groups gnomAD compares: Non-Finnish European, 0.045%; no homozygotes.

Submissions (5):

PreventionGenetics, part of Exact Sciences
Classification: Uncertain significance for CEP164-related condition. Last evaluated: 2026-02-24. Review status: criteria provided, single submitter. Criteria: ACMG Guidelines, 2015. Collection method: clinical testing. Allele origin: germline.
Comment: The CEP164 c.2206G>A variant is predicted to result in the amino acid substitution p.Glu736Lys. To our knowledge, this variant has not been reported in the literature. This variant is reported in 0.062% of alleles in individuals of European (non-Finnish) descent in gnomAD. Although we suspect that this variant may be benign, at this time, the clinical significance of this variant is uncertain due to the absence of conclusive functional and genetic evidence.

Labcorp Genetics (formerly Invitae), Labcorp
Classification: Uncertain significance for Nephronophthisis 15. Last evaluated: 2026-01-01. Review status: criteria provided, single submitter. Criteria: Invitae Variant Classification Sherloc (09022015). Collection method: clinical testing. Allele origin: germline.
Comment: This sequence change replaces glutamic acid, which is acidic and polar, with lysine, which is basic and polar, at codon 736 of the CEP164 protein (p.Glu736Lys). This variant is present in population databases (rs146053426, gnomAD 0.06%). This variant has not been reported in the literature in individuals affected with CEP164-related conditions. ClinVar contains an entry for this variant (Variation ID: 844430). Invitae Evidence Modeling of protein sequence and biophysical properties (such as structural, functional, and spatial information, amino acid conservation, physicochemical variation, residue mobility, and thermodynamic stability) indicates that this missense variant is not expected to disrupt CEP164 protein function with a negative predictive value of 80%. In summary, the available evidence is currently insufficient to determine the role of this variant in disease. Therefore, it has been classified as a Variant of Uncertain Significance.

Ambry Genetics
Classification: Uncertain significance for Inborn genetic diseases. Last evaluated: 2024-10-28. Review status: criteria provided, single submitter. Criteria: Ambry Variant Classification Scheme 2023. Collection method: clinical testing. Allele origin: germline.

Blueprint Genetics
Classification: Uncertain significance. Last evaluated: 2024-10-18. Review status: criteria provided, single submitter. Criteria: ACMG Guidelines, 2015. Collection method: clinical testing. Allele origin: germline.

Fulgent Genetics
Classification: Uncertain significance for Nephronophthisis 15. Last evaluated: 2024-01-20. Review status: criteria provided, single submitter. Criteria: ACMG Guidelines, 2015. Collection method: clinical testing. Allele origin: germline.